The following is an entry in ClinVar:

NM_000038.6(APC):c.6946C>T (p.Pro2316Ser)

Gene: APC (APC regulator of Wnt signaling pathway; plus strand). Cytogenetic location: 5q22.2.
Variant type: single nucleotide variant.
Coding change: c.6946C>T on transcript NM_000038.6 (MANE Select); coding-DNA position 6946, C replaced by T.
Protein change: p.Pro2316Ser; replaces proline 2316 with serine.
Molecular consequence: missense variant.
Genome position (GRCh38, 1-based): chr5:112,842,540, C>T. VCF-style: chr5-112842540-C-T. GRCh37 (hg19) VCF-style: chr5-112178237-C-T.
Other names: c.6946C>T, p.Pro2316Ser (NM_001127510.3, NM_001354895.2); c.6892C>T, p.Pro2298Ser (NM_001127511.3); c.7000C>T, p.Pro2334Ser (NM_001354896.2); c.6976C>T, p.Pro2326Ser (NM_001354897.2); c.6871C>T, p.Pro2291Ser (NM_001354898.2); c.6862C>T, p.Pro2288Ser (NM_001354899.2); c.6823C>T, p.Pro2275Ser (NM_001354900.2); c.6769C>T, p.Pro2257Ser (NM_001354901.2); and 6 more; short protein forms P2033S, P2156S, P2190S, P2215S, P2225S, P2257S, P2275S, P2288S.
Identifiers: ClinVar variation 1053239 (VCV001053239.12), dbSNP rs2149976923, ClinGen allele CA16036483.

ClinVar aggregate classification (germline): Uncertain significance. Review status: criteria provided, multiple submitters, no conflicts (2 of 4 stars). 3 submissions from 3 submitters: Uncertain significance (3). Last evaluated 2025-12-21.

Conditions:
Hereditary cancer-predisposing syndrome. Also called: Tumor predisposition; Hereditary neoplastic syndrome; Hereditary Cancer Syndrome; Neoplastic Syndromes, Hereditary. Identifiers: Orphanet 140162, MedGen C0027672, MeSH D009386, MONDO:0015356.
Familial adenomatous polyposis 1 (FAP1). Also called: POLYPOSIS, ADENOMATOUS INTESTINAL; FAMILIAL ADENOMATOUS POLYPOSIS 1, ATTENUATED. Identifiers: MedGen C2713442, MONDO:0021056, OMIM 175100. Disease mechanism: loss of function.

gnomAD v4.1: 1 of 1,613,996 alleles (0.000062%); highest among the groups gnomAD compares: African/African-American, 0.0013%; no homozygotes.

Submissions (3):

Labcorp Genetics (formerly Invitae), Labcorp
Classification: Uncertain significance for Familial adenomatous polyposis 1. Last evaluated: 2025-12-21. Review status: criteria provided, single submitter. Criteria: Invitae Variant Classification Sherloc (09022015). Collection method: clinical testing. Allele origin: germline.
Comment: This sequence change replaces proline, which is neutral and non-polar, with serine, which is neutral and polar, at codon 2316 of the APC protein (p.Pro2316Ser). This variant is not present in population databases (gnomAD no frequency). This variant has not been reported in the literature in individuals affected with APC-related conditions. ClinVar contains an entry for this variant (Variation ID: 1053239). Invitae Evidence Modeling of protein sequence and biophysical properties (such as structural, functional, and spatial information, amino acid conservation, physicochemical variation, residue mobility, and thermodynamic stability) indicates that this missense variant is not expected to disrupt APC protein function with a negative predictive value of 95%. In summary, the available evidence is currently insufficient to determine the role of this variant in disease. Therefore, it has been classified as a Variant of Uncertain Significance.

Ambry Genetics
Classification: Uncertain significance for Hereditary cancer-predisposing syndrome. Last evaluated: 2025-05-16. Review status: criteria provided, single submitter. Criteria: Ambry Variant Classification Scheme 2023. Collection method: clinical testing. Allele origin: germline.
Comment: The p.P2316S variant (also known as c.6946C>T), located in coding exon 15 of the APC gene, results from a C to T substitution at nucleotide position 6946. The proline at codon 2316 is replaced by serine, an amino acid with similar properties. This amino acid position is conserved. In addition, in silico predictors for this gene do not accurately predict pathogenicity. Based on the available evidence, the clinical significance of this variant remains unclear.

Baylor Genetics
Classification: Uncertain significance for Familial adenomatous polyposis 1. Last evaluated: 2023-10-10. Review status: criteria provided, single submitter. Criteria: ACMG Guidelines, 2015. Collection method: clinical testing. Allele origin: unknown.